The following is an entry in ClinVar:

NM_001134407.3(GRIN2A):c.1636C>T (p.Pro546Ser)

Gene: GRIN2A (glutamate ionotropic receptor NMDA type subunit 2A; minus strand). Cytogenetic location: 16p13.2.
Variant type: single nucleotide variant.
Coding change: c.1636C>T on transcript NM_001134407.3 (MANE Select); coding-DNA position 1636, C replaced by T.
Protein change: p.Pro546Ser; replaces proline 546 with serine.
Molecular consequence: missense variant.
Genome position (GRCh38, 1-based): chr16:9,840,662, G>A on the plus strand (C>T on the coding strand, the complement: GRIN2A is on the minus strand). VCF-style: chr16-9840662-G-A. GRCh37 (hg19) VCF-style: chr16-9934519-G-A.
Other names: c.1636C>T, p.Pro546Ser (NM_000833.5, NM_001134408.2); short protein forms P546S.
Identifiers: ClinVar variation 3372779 (VCV003372779.1).
Genomic context (GRCh38, chr16:9,840,662, plus strand): 5'-ACAATTCCTTATAGGAAAGCAATAGTCACTATGAAATTCACACACCTAGAAAAGCAGAAG[G>A]TGAGACGGTGCCATTACTTCTTGAAACCATGACACTGATTCCCGTTTCCACAAAGGGCAC-3'
Protein context (NP_001127879.1, residues 536-556): MVSRSNGTVS[Pro546Ser]SAFLEPFSAS

ClinVar aggregate classification (germline): Uncertain significance (1 of 4 stars; one submission).

Submission:

GeneDx
Classification: Uncertain significance. Last evaluated: 2024-04-18. Review status: criteria provided, single submitter. Criteria: GeneDx Variant Classification Process June 2021. Collection method: clinical testing. Allele origin: germline. Affected: yes.
Comment: Not observed at significant frequency in large population cohorts (gnomAD); In silico analysis supports that this missense variant has a deleterious effect on protein structure/function; Has not been previously published as pathogenic or benign to our knowledge